The following is an entry in ClinVar:

NM_004006.3(DMD):c.1894A>T (p.Lys632Ter)

Gene: DMD (dystrophin; minus strand). Cytogenetic location: Xp21.1.
Variant type: single nucleotide variant.
Coding change: c.1894A>T on transcript NM_004006.3 (MANE Select); coding-DNA position 1894, A replaced by T.
Protein change: p.Lys632Ter; replaces lysine 632 with a stop codon.
Molecular consequence: nonsense.
Genome position (GRCh38, 1-based): chrX:32,565,800, T>A on the plus strand (A>T on the coding strand, the complement: DMD is on the minus strand). VCF-style: chrX-32565800-T-A. GRCh37 (hg19) VCF-style: chrX-32583917-T-A.
Other names: c.1870A>T, p.Lys624Ter (NM_000109.4); c.1882A>T, p.Lys628Ter (NM_004009.3); c.1525A>T, p.Lys509Ter (NM_004010.3); short protein forms K509*, K632*, K624*, K628*.
Identifiers: ClinVar variation 803923 (VCV000803923.8), dbSNP rs1603636541, ClinGen allele CA412672731.

ClinVar aggregate classification (germline): Pathogenic/Likely pathogenic. Review status: criteria provided, multiple submitters, no conflicts (2 of 4 stars). 3 submissions from 3 submitters: Pathogenic (2); Likely pathogenic (1). Last evaluated 2024-05-08.

Conditions:
Duchenne muscular dystrophy (DMD). Also called: Duchenne Muscular Dystrophy (DMD); MUSCULAR DYSTROPHY, PSEUDOHYPERTROPHIC PROGRESSIVE, DUCHENNE TYPE. Identifiers: Orphanet 98896, MedGen C0013264, MONDO:0010679, OMIM 310200.
Progressive muscular dystrophy. Identifiers: Orphanet 206644, MedGen C4551827, MONDO:0016106.

Submissions (3):

Myriad Genetics, Inc.
Classification: Pathogenic for Progressive muscular dystrophy. Last evaluated: 2024-05-08. Review status: criteria provided, single submitter. Criteria: Myriad Autosomal Dominant, Autosomal Recessive and X-Linked Classification Criteria (2023). Collection method: clinical testing. Allele origin: unknown.
Comment: NM_004006.2(DMD):c.1894A>T(K632*) is expected to be pathogenic in the context of dystrophinopathy (including Duchenne/Becker muscular dystrophy). This variant is predicted to lead to an abnormal or absent protein product due to the creation of a premature termination codon in DMD, a gene where loss-of-function variants are known to be pathogenic. Please note: this variant was assessed in the context of healthy population screening.

Labcorp Genetics (formerly Invitae), Labcorp
Classification: Pathogenic for Duchenne muscular dystrophy. Last evaluated: 2022-08-09. Review status: criteria provided, single submitter. Criteria: Invitae Variant Classification Sherloc (09022015). Collection method: clinical testing. Allele origin: germline.
Comment: This variant is not present in population databases (gnomAD no frequency). For these reasons, this variant has been classified as Pathogenic. ClinVar contains an entry for this variant (Variation ID: 803923). This premature translational stop signal has been observed in individual(s) with clinical features of DMD-related conditions (Invitae). This sequence change creates a premature translational stop signal (p.Lys632*) in the DMD gene. It is expected to result in an absent or disrupted protein product. Loss-of-function variants in DMD are known to be pathogenic (PMID: 16770791, 25007885).

Mendelics
Classification: Likely pathogenic for Duchenne muscular dystrophy. Last evaluated: 2019-05-28. Review status: criteria provided, single submitter. Criteria: Mendelics Assertion Criteria 2017. Collection method: clinical testing. Allele origin: unknown.

Literature cited by the submitters: PubMed 16770791 (cited by Labcorp Genetics (formerly Invitae), Labcorp); PubMed 25007885 (cited by Labcorp Genetics (formerly Invitae), Labcorp).